The following is an entry in ClinVar:

NM_025137.4(SPG11):c.1976G>C (p.Trp659Ser)

Gene: SPG11 (SPG11 vesicle trafficking associated, spatacsin; minus strand). Cytogenetic location: 15q21.1.
Variant type: single nucleotide variant.
Coding change: c.1976G>C on transcript NM_025137.4 (MANE Select); coding-DNA position 1976, G replaced by C.
Protein change: p.Trp659Ser; replaces tryptophan 659 with serine.
Molecular consequence: missense variant.
Genome position (GRCh38, 1-based): chr15:44,628,760, C>G on the plus strand (G>C on the coding strand, the complement: SPG11 is on the minus strand). VCF-style: chr15-44628760-C-G. GRCh37 (hg19) VCF-style: chr15-44920958-C-G.
Other names: c.1976G>C, p.Trp659Ser (NM_001160227.2); short protein forms W659S.
Identifiers: ClinVar variation 1394893 (VCV001394893.6), dbSNP rs2141043511, ClinGen allele CA392234256.

ClinVar aggregate classification (germline): Uncertain significance (1 of 4 stars; one submission).

Conditions:
Hereditary spastic paraplegia 11. Also called: Nakamura Osame syndrome; Autosomal recessive hereditary spastic paraplegia, mental impairment, and thin corpus callosum; SPASTIC PARAPLEGIA, AUTOSOMAL RECESSIVE, COMPLICATED, WITH THIN CORPUS CALLOSUM; SPASTIC PARAPLEGIA, AUTOSOMAL RECESSIVE, WITH MENTAL IMPAIRMENT AND THIN CORPUS CALLOSUM; Spastic paraplegia, mental retardation and thin corpus callosum; Spastic Paraplegia 11. Identifiers: Orphanet 2822, MedGen C1858479, MONDO:0011445, OMIM 604360.

Submission:

Labcorp Genetics (formerly Invitae), Labcorp
Classification: Uncertain significance for Hereditary spastic paraplegia 11. Last evaluated: 2021-11-24. Review status: criteria provided, single submitter. Criteria: Invitae Variant Classification Sherloc (09022015). Collection method: clinical testing. Allele origin: germline.
Comment: This sequence change replaces tryptophan, which is neutral and slightly polar, with serine, which is neutral and polar, at codon 659 of the SPG11 protein (p.Trp659Ser). This variant is not present in population databases (gnomAD no frequency). This variant has not been reported in the literature in individuals affected with SPG11-related conditions. Algorithms developed to predict the effect of missense changes on protein structure and function are either unavailable or do not agree on the potential impact of this missense change (SIFT: "Tolerated"; PolyPhen-2: "Possibly Damaging"; Align-GVGD: "Class C0"). In summary, the available evidence is currently insufficient to determine the role of this variant in disease. Therefore, it has been classified as a Variant of Uncertain Significance.